The following is an entry in ClinVar:

NM_001009944.3(PKD1):c.5984G>A (p.Arg1995His)

Gene: PKD1 (polycystin 1, transient receptor potential channel interacting; minus strand). Cytogenetic location: 16p13.3.
Variant type: single nucleotide variant.
Coding change: c.5984G>A on transcript NM_001009944.3 (MANE Select); coding-DNA position 5984, G replaced by A.
Protein change: p.Arg1995His; replaces arginine 1995 with histidine.
Molecular consequence: missense variant.
Genome position (GRCh38, 1-based): chr16:2,109,183, C>T on the plus strand (G>A on the coding strand, the complement: PKD1 is on the minus strand). VCF-style: chr16-2109183-C-T. GRCh37 (hg19) VCF-style: chr16-2159184-C-T.
Other names: c.5984G>A, p.Arg1995His (NM_000296.4); short protein forms R1995H.
Identifiers: ClinVar variation 2501477 (VCV002501477.3), dbSNP rs752388015, ClinGen allele CA7831774.
Genomic context (GRCh38, chr16:2,109,183, plus strand): 5'-CCCTGGACCTTCTGCAGCGAGAAGTACCAGGCGTAGGCGACCCGAGAGCCGCGCTGCACG[C>T]GGGCTGTGAAGTTCCTCTCAGTGCCCGTGGCGATGCCAGGCTCGCAGCAGTTGGGCACCT-3'
Protein context (NP_001009944.3, residues 1985-2005): ATGTERNFTA[Arg1995His]VQRGSRVAYA

ClinVar aggregate classification (germline): Uncertain significance (1 of 4 stars; one submission).

Allele frequency attached by ClinVar (database versions not stated): ExAC 0.00004; gnomAD 0.00005; TOPMed 0.00005.
gnomAD v4.1: 36 of 1,598,640 alleles (0.0023%); highest among the groups gnomAD compares: East Asian, 0.018%; no homozygotes.

Submission:

GeneDx
Classification: Uncertain significance. Last evaluated: 2025-11-25. Review status: criteria provided, single submitter. Criteria: GeneDx Variant Classification Process June 2021. Collection method: clinical testing. Allele origin: germline. Affected: yes.
Comment: Observed with a second variant (phase unknown) in a patient with polycystic kidney disease in published literature; the authors note this variant does not segregate with the phenotype but data is not shown (PMID: 11012875); In silico analysis suggests that this missense variant does not alter protein structure/function; This variant is associated with the following publications: (PMID: 11012875, Svobodova2008[Thesis])